The following is an entry in ClinVar:

NM_002528.7(NTHL1):c.203G>A (p.Gly68Asp)

Gene: NTHL1 (nth like DNA glycosylase 1; minus strand). Cytogenetic location: 16p13.3.
Variant type: single nucleotide variant.
Coding change: c.203G>A on transcript NM_002528.7 (MANE Select); coding-DNA position 203, G replaced by A.
Protein change: p.Gly68Asp; replaces glycine 68 with aspartic acid.
Molecular consequence: missense variant. On other transcripts: splice donor variant (1).
Genome position (GRCh38, 1-based): chr16:2,046,279, C>T on the plus strand (G>A on the coding strand, the complement: NTHL1 is on the minus strand). VCF-style: chr16-2046279-C-T. GRCh37 (hg19) VCF-style: chr16-2096280-C-T.
Other names: c.203G>A, p.Gly68Asp (NM_001318193.2); c.24+1G>A (NM_001318194.2); c.227G>A (NM_002528.5); short protein forms G68D.
Identifiers: ClinVar variation 855045 (VCV000855045.9), dbSNP rs1346428624, ClinGen allele CA394297578.

ClinVar aggregate classification (germline): Uncertain significance. Review status: criteria provided, multiple submitters, no conflicts (2 of 4 stars). 2 submissions from 2 submitters: Uncertain significance (2). Last evaluated 2026-06-16.

Conditions:
Hereditary cancer-predisposing syndrome. Also called: Tumor predisposition; Hereditary neoplastic syndrome; Neoplastic Syndromes, Hereditary; Hereditary Cancer Syndrome. Identifiers: Orphanet 140162, MedGen C0027672, MeSH D009386, MONDO:0015356.

Allele frequency attached by ClinVar (database versions not stated): gnomAD exomes below 0.00001.
gnomAD v4.1: 1 of 1,613,330 alleles (0.000062%); highest among the groups gnomAD compares: Admixed American, 0.0017%; no homozygotes.

Submissions (2):

Ambry Genetics
Classification: Uncertain significance for Hereditary cancer-predisposing syndrome. Last evaluated: 2026-06-16. Review status: criteria provided, single submitter. Criteria: Ambry Variant Classification Scheme 2023. Collection method: clinical testing. Allele origin: germline.
Comment: The p.G76D variant (also known as c.227G>A), located in coding exon 2 of the NTHL1 gene, results from a G to A substitution at nucleotide position 227. The glycine at codon 76 is replaced by aspartic acid, an amino acid with similar properties. This amino acid position is conserved. In addition, this alteration is predicted to be tolerated by in silico analysis. Based on the available evidence, the clinical significance of this variant remains unclear.

Labcorp Genetics (formerly Invitae), Labcorp
Classification: Uncertain significance. Last evaluated: 2019-02-17. Review status: criteria provided, single submitter. Criteria: Invitae Variant Classification Sherloc (09022015). Collection method: clinical testing. Allele origin: germline.
Comment: In summary, the available evidence is currently insufficient to determine the role of this variant in disease. Therefore, it has been classified as a Variant of Uncertain Significance. Algorithms developed to predict the effect of missense changes on protein structure and function output the following: SIFT: "Tolerated"; PolyPhen-2: "Benign"; Align-GVGD: "Class C0". The aspartic acid amino acid residue is found in multiple mammalian species, suggesting that this missense change does not adversely affect protein function. These predictions have not been confirmed by published functional studies and their clinical significance is uncertain. This variant has not been reported in the literature in individuals with NTHL1-related conditions. This variant is not present in population databases (ExAC no frequency). This sequence change replaces glycine with aspartic acid at codon 76 of the NTHL1 protein (p.Gly76Asp). The glycine residue is moderately conserved and there is a moderate physicochemical difference between glycine and aspartic acid.